The following is an entry in ClinVar:

ClinVar aggregate classification (germline): Likely pathogenic (1 of 4 stars; one submission).

Conditions:
Naxos disease (NXD). Also called: PALMOPLANTAR KERATODERMA WITH ARRHYTHMOGENIC RIGHT VENTRICULAR CARDIOMYOPATHY AND WOOLLY HAIR; WOOLLY HAIR, PALMOPLANTAR KERATODERMA, AND CARDIAC ABNORMALITIES; CARDIOMYOPATHY, ARRHYTHMOGENIC RIGHT VENTRICULAR, WITH SKIN, HAIR, AND NAIL ABNORMALITIES; KERATOSIS PALMOPLANTARIS WITH ARRHYTHMOGENIC CARDIOMYOPATHY; MAL DE NAXOS. Identifiers: Orphanet 34217, MedGen C1832600, MONDO:0011017, OMIM 601214.

Submission:

Center for Precision Genome Editing and Genetic Technologies for Biomedicine, Pirogov Russian National Research Medical University
Classification: Likely pathogenic for Naxos disease. Last evaluated: 2023-11-02. Review status: criteria provided, single submitter. Criteria: Submitter's publication. Collection method: clinical testing. Allele origin: unknown. Inheritance: Autosomal recessive inheritance. Affected: yes. Observed: 1 compound heterozygote.
Comment: The variant JUP(NM_002230.4):c.187C>T, p.Gln63Ter leads to premature termination of the translation, the PVS1 criterion. The variant is not described in control samples and is not found among patients with Naxos disease, PM2 criterion. BayesDel addAF and BayesDel no AF programs are considered a pathogenic option, PP3 criterion. In summary, variant could be considered as likely pathogenic

NM_002230.4(JUP):c.187C>T (p.Gln63Ter)

Gene: JUP (junction plakoglobin; minus strand). Cytogenetic location: 17q21.2.
Variant type: single nucleotide variant.
Coding change: c.187C>T on transcript NM_002230.4 (MANE Select); coding-DNA position 187, C replaced by T.
Protein change: p.Gln63Ter; replaces glutamine 63 with a stop codon.
Molecular consequence: nonsense.
Genome position (GRCh38, 1-based): chr17:41,771,668, G>A on the plus strand (C>T on the coding strand, the complement: JUP is on the minus strand). VCF-style: chr17-41771668-G-A. GRCh37 (hg19) VCF-style: chr17-39927920-G-A.
Other names: c.187C>T, p.Gln63Ter (NM_001352773.2, NM_001352774.2, NM_001352775.2 and 3 more transcripts); short protein forms Q63*.
Identifiers: ClinVar variation 3379370 (VCV003379370.2).
Genomic context (GRCh38, chr17:41,771,668, plus strand): 5'-GGTTTTCTGCCCCATGCAATAGTCCCCAGGGGTCCTGACCTTGGCTGGGGGGCACCCCCT[G>A]GGTGTAAGTGGTGGTTTTCTTGAGCGTGTACTGGCGCCCGCAGGCCTCATCCTCCTCCAT-3'